The following is an entry in ClinVar:

ClinVar aggregate classification (germline): Uncertain significance. Review status: criteria provided, multiple submitters, no conflicts (2 of 4 stars). 4 submissions from 4 submitters: Uncertain significance (4). Last evaluated 2025-11-03.

Conditions:
Aicardi-Goutieres syndrome 3. Identifiers: Orphanet 51, MedGen C1835916, MONDO:0012471, OMIM 610329.

gnomAD v4.1: 2 of 1,614,154 alleles (0.00012%); highest among the groups gnomAD compares: Non-Finnish European, 0.00017%; no homozygotes.

Submissions (4):

Labcorp Genetics (formerly Invitae), Labcorp
Classification: Uncertain significance for Aicardi-Goutieres syndrome 3. Last evaluated: 2025-11-03. Review status: criteria provided, single submitter. Criteria: Invitae Variant Classification Sherloc (09022015). Collection method: clinical testing. Allele origin: germline.
Comment: This sequence change replaces leucine, which is neutral and non-polar, with valine, which is neutral and non-polar, at codon 68 of the RNASEH2C protein (p.Leu68Val). This variant is not present in population databases (gnomAD no frequency). This missense change has been observed in individual(s) with Aicardi-Goutieres syndrome (PMID: 34055681, 38976295). ClinVar contains an entry for this variant (Variation ID: 1028928). An algorithm developed to predict the effect of missense changes on protein structure and function (PolyPhen-2) suggests that this variant is likely to be disruptive. In summary, the available evidence is currently insufficient to determine the role of this variant in disease. Therefore, it has been classified as a Variant of Uncertain Significance.

3billion
Classification: Uncertain significance for Aicardi-Goutieres syndrome 3. Last evaluated: 2025-09-24. Review status: criteria provided, single submitter. Criteria: ACMG Guidelines, 2015. Collection method: clinical testing. Allele origin: germline. Affected: yes.
Comment: The variant is observed at an extremely low frequency in the gnomAD v4.1.0 dataset (total allele frequency: <0.001%). Predicted Consequence/Location: Missense variant In silico tool predictions suggest damaging effect of the variant on gene or gene product [REVEL: 0.78 (>=0.6, sensitivity 0.68 and specificity 0.92); 3Cnet: 0.95 (> 0.75, sensitivity 0.96 and precision 0.92)]. The same nucleotide change resulting in the same amino acid change has been previously reported to be associated with RNASEH2C-related disorder (PMID: 34055681). Therefore, this variant is classified as VUS according to the recommendation of ACMG/AMP guideline.

GeneDx
Classification: Uncertain significance. Last evaluated: 2022-02-15. Review status: criteria provided, single submitter. Criteria: GeneDx Variant Classification Process June 2021. Collection method: clinical testing. Allele origin: germline. Affected: yes.
Comment: Not observed at significant frequency in large population cohorts (gnomAD); In silico analysis supports that this missense variant has a deleterious effect on protein structure/function; This variant is associated with the following publications: (PMID: 34055681)

Baylor Genetics
Classification: Uncertain significance for Aicardi-Goutieres syndrome 3. Last evaluated: 2019-02-01. Review status: criteria provided, single submitter. Criteria: ACMG Guidelines, 2015. Collection method: clinical testing. Allele origin: unknown. Affected: yes.
Comment: This variant was determined to be of uncertain significance according to ACMG Guidelines, 2015 [PMID:25741868].

Literature cited by the submitters: PubMed 34055681 (cited by Labcorp Genetics (formerly Invitae), Labcorp and 3billion); PubMed 38976295 (cited by Labcorp Genetics (formerly Invitae), Labcorp).

NM_032193.4(RNASEH2C):c.202C>G (p.Leu68Val)

Gene: RNASEH2C (ribonuclease H2 subunit C; minus strand). Cytogenetic location: 11q13.1.
Variant type: single nucleotide variant.
Coding change: c.202C>G on transcript NM_032193.4 (MANE Select); coding-DNA position 202, C replaced by G.
Protein change: p.Leu68Val; replaces leucine 68 with valine.
Molecular consequence: missense variant.
Genome position (GRCh38, 1-based): chr11:65,720,388, G>C on the plus strand (C>G on the coding strand, the complement: RNASEH2C is on the minus strand). VCF-style: chr11-65720388-G-C. GRCh37 (hg19) VCF-style: chr11-65487859-G-C.
Other names: short protein forms L68V.
Identifiers: ClinVar variation 1028928 (VCV001028928.10), dbSNP rs1427683229, ClinGen allele CA381299014.